The following is an entry in ClinVar:

ClinVar aggregate classification (germline): Pathogenic (1 of 4 stars; one submission).

Allele frequency attached by ClinVar (database versions not stated): gnomAD exomes below 0.00001.

Submission:

Labcorp Genetics (formerly Invitae), Labcorp
Classification: Pathogenic. Last evaluated: 2023-01-15. Review status: criteria provided, single submitter. Criteria: Invitae Variant Classification Sherloc (09022015). Collection method: clinical testing. Allele origin: germline.
Comment: For these reasons, this variant has been classified as Pathogenic. This variant has not been reported in the literature in individuals affected with NUBPL-related conditions. This variant is not present in population databases (gnomAD no frequency). This sequence change creates a premature translational stop signal (p.Arg55*) in the NUBPL gene. It is expected to result in an absent or disrupted protein product. Loss-of-function variants in NUBPL are known to be pathogenic (PMID: 23553477, 31917109).

Literature cited by the submitters: PubMed 23553477; PubMed 31917109.

NM_025152.3(NUBPL):c.163C>T (p.Arg55Ter)

Gene: NUBPL (NUBP iron-sulfur cluster assembly factor, mitochondrial; plus strand). Cytogenetic location: 14q12.
Variant type: single nucleotide variant.
Coding change: c.163C>T on transcript NM_025152.3 (MANE Select); coding-DNA position 163, C replaced by T.
Protein change: p.Arg55Ter; replaces arginine 55 with a stop codon.
Molecular consequence: nonsense. On other transcripts: non-coding transcript variant (1).
Genome position (GRCh38, 1-based): chr14:31,562,122, C>T. VCF-style: chr14-31562122-C-T. GRCh37 (hg19) VCF-style: chr14-32031328-C-T.
Other names: short protein forms R55*.
Identifiers: ClinVar variation 2816858 (VCV002816858.3), dbSNP rs2139436177, ClinGen allele CA389481819.